The following is an entry in ClinVar:

ClinVar aggregate classification (germline): Uncertain significance (1 of 4 stars; one submission).

Conditions:
CEP164-related disorder. Also called: CEP164-related condition.

Submission:

PreventionGenetics, part of Exact Sciences
Classification: Uncertain significance for CEP164-related condition. Last evaluated: 2024-11-15. Review status: criteria provided, single submitter. Criteria: ACMG Guidelines, 2015. Collection method: clinical testing. Allele origin: germline.
Comment: The CEP164 c.2560A>G variant is predicted to result in the amino acid substitution p.Met854Val. To our knowledge, this variant has not been reported in the literature or in a large population database (gnomAD), indicating this variant is rare. At this time, the clinical significance of this variant is uncertain due to the absence of conclusive functional and genetic evidence.

NM_014956.5(CEP164):c.2560A>G (p.Met854Val)

Gene: CEP164 (centrosomal protein 164; plus strand). Cytogenetic location: 11q23.3.
Variant type: single nucleotide variant.
Coding change: c.2560A>G on transcript NM_014956.5 (MANE Select); coding-DNA position 2560, A replaced by G.
Protein change: p.Met854Val; replaces methionine 854 with valine.
Molecular consequence: missense variant.
Genome position (GRCh38, 1-based): chr11:117,393,070, A>G. VCF-style: chr11-117393070-A-G. GRCh37 (hg19) VCF-style: chr11-117263786-A-G.
Other names: c.2569A>G, p.Met857Val (NM_001271933.2, NM_001440949.1); c.2560A>G, p.Met854Val (NM_001440950.1, NM_001440951.1, NM_001440953.1); c.2395A>G, p.Met799Val (NM_001440952.1, NM_001440968.1, NM_001440969.1); c.2482A>G, p.Met828Val (NM_001440954.1, NM_001440955.1, NM_001440958.1 and 1 more transcripts); c.2473A>G, p.Met825Val (NM_001440956.1, NM_001440957.1); c.2431A>G, p.Met811Val (NM_001440960.1); c.2422A>G, p.Met808Val (NM_001440961.1, NM_001440967.1); c.2413A>G, p.Met805Val (NM_001440962.1, NM_001440963.1, NM_001440964.1 and 4 more transcripts); and 7 more; short protein forms M779V, M805V, M808V, M828V, M857V, M735V, M799V, M825V.
Identifiers: ClinVar variation 5001608 (VCV005001608.1).